The following is an entry in ClinVar:

NM_016123.4(IRAK4):c.1290C>G (p.Tyr430Ter)

Gene: IRAK4 (interleukin 1 receptor associated kinase 4; plus strand). Cytogenetic location: 12q12.
Variant type: single nucleotide variant.
Coding change: c.1290C>G on transcript NM_016123.4 (MANE Select); coding-DNA position 1290, C replaced by G.
Protein change: p.Tyr430Ter; replaces tyrosine 430 with a stop codon.
Molecular consequence: nonsense.
Genome position (GRCh38, 1-based): chr12:43,786,500, C>G. VCF-style: chr12-43786500-C-G. GRCh37 (hg19) VCF-style: chr12-44180303-C-G.
Other names: c.1290C>G, p.Tyr430Ter (NM_001114182.3, NM_001351345.2); c.918C>G, p.Tyr306Ter (NM_001145256.2, NM_001145257.2, NM_001145258.2 and 5 more transcripts); c.681C>G, p.Tyr227Ter (NM_001351343.2, NM_001351344.2); short protein forms Y227*, Y306*, Y430*.
Identifiers: ClinVar variation 1457405 (VCV001457405.8), dbSNP rs1007276082, ClinGen allele CA384478224.

ClinVar aggregate classification (germline): Pathogenic (1 of 4 stars; one submission).

Conditions:
Immunodeficiency 67. Also called: Immunodeficiency due to interleukin-1 receptor-associated kinase-4 deficiency. Identifiers: Orphanet 70592, MedGen C1843256, MONDO:0011888, OMIM 607676.

Submission:

Labcorp Genetics (formerly Invitae), Labcorp
Classification: Pathogenic for Immunodeficiency 67. Last evaluated: 2023-01-24. Review status: criteria provided, single submitter. Criteria: Invitae Variant Classification Sherloc (09022015). Collection method: clinical testing. Allele origin: germline.
Comment: For these reasons, this variant has been classified as Pathogenic. ClinVar contains an entry for this variant (Variation ID: 1457405). This premature translational stop signal has been observed in individual(s) with IRAK-4 deficiency (PMID: 19814626). This variant is not present in population databases (gnomAD no frequency). This sequence change creates a premature translational stop signal (p.Tyr430*) in the IRAK4 gene. It is expected to result in an absent or disrupted protein product. Loss-of-function variants in IRAK4 are known to be pathogenic (PMID: 17893200, 21057262).

Literature cited by the submitters: PubMed 19814626; PubMed 17893200; PubMed 21057262.